The following is an entry in ClinVar:

ClinVar aggregate classification (germline): Uncertain significance (1 of 4 stars; one submission).

Conditions:
Ataxia-telangiectasia syndrome (AT). Also called: LOUIS-BAR SYNDROME; Cerebello-oculocutaneous telangiectasia; Immunodeficiency with ataxia telangiectasia; Ataxia telangiectasia (A-T); Ataxia-telangiectasia, complementation group D; AT, COMPLEMENTATION GROUP C. Identifiers: Orphanet 100, MedGen C0004135, MONDO:0008840, OMIM 208900.

Submission:

Labcorp Genetics (formerly Invitae), Labcorp
Classification: Uncertain significance for Ataxia-telangiectasia syndrome. Last evaluated: 2024-06-05. Review status: criteria provided, single submitter. Criteria: Invitae Variant Classification Sherloc (09022015). Collection method: clinical testing. Allele origin: germline.
Comment: This sequence change replaces threonine, which is neutral and polar, with alanine, which is neutral and non-polar, at codon 1997 of the ATM protein (p.Thr1997Ala). This variant is not present in population databases (gnomAD no frequency). This variant has not been reported in the literature in individuals affected with ATM-related conditions. An algorithm developed to predict the effect of missense changes on protein structure and function (PolyPhen-2) suggests that this variant is likely to be tolerated. In summary, the available evidence is currently insufficient to determine the role of this variant in disease. Therefore, it has been classified as a Variant of Uncertain Significance.

NM_000051.4(ATM):c.5989A>G (p.Thr1997Ala)

Genes: ATM (ATM serine/threonine kinase; plus strand), C11orf65 (chromosome 11 open reading frame 65; minus strand). Cytogenetic location: 11q22.3.
Variant type: single nucleotide variant.
Coding change: c.5989A>G on transcript NM_000051.4 (MANE Select); coding-DNA position 5989, A replaced by G.
Protein change: p.Thr1997Ala; replaces threonine 1997 with alanine.
Molecular consequence: missense variant. On other transcripts: intron variant (2).
Genome position (GRCh38, 1-based): chr11:108,312,481, A>G. VCF-style: chr11-108312481-A-G. GRCh37 (hg19) VCF-style: chr11-108183208-A-G.
Other names: c.5989A>G, p.Thr1997Ala (NM_001351834.2); c.641-3410T>C (NM_001330368.2); c.*39-3410T>C (NM_001351110.2); short protein forms T1997A.
Identifiers: ClinVar variation 2766238 (VCV002766238.3), dbSNP rs1591758871, ClinGen allele CA382548781.